The following is an entry in ClinVar:

ClinVar aggregate classification (germline): Uncertain significance. Review status: criteria provided, single submitter (1 of 4 stars). 2 submissions from 2 submitters: Uncertain significance (1). 1 of the submissions does not count toward it. Last evaluated 2023-12-27.

Conditions:
EHHADH-related disorder. Also called: EHHADH-related condition.

gnomAD v4.1: 8 of 1,614,062 alleles (0.0005%); highest among the groups gnomAD compares: Admixed American, 0.0017%; no homozygotes.

Submissions (2):

Ambry Genetics
Classification: Uncertain significance. Last evaluated: 2023-12-27. Review status: criteria provided, single submitter. Criteria: Ambry Variant Classification Scheme 2023. Collection method: clinical testing. Allele origin: germline.

PreventionGenetics, part of Exact Sciences
Classification: Uncertain significance for EHHADH-related condition. Last evaluated: 2024-03-27. Review status: no assertion criteria provided. Collection method: clinical testing. Allele origin: germline. Not counted in ClinVar's aggregate classification.
Comment: The EHHADH c.931G>T variant is predicted to result in the amino acid substitution p.Gly311Cys. To our knowledge, this variant has not been reported in the literature. This variant is reported in 0.0058% of alleles in individuals of Latino descent in gnomAD. At this time, the clinical significance of this variant is uncertain due to the absence of conclusive functional and genetic evidence.

NM_001966.4(EHHADH):c.931G>T (p.Gly311Cys)

Gene: EHHADH (enoyl-CoA hydratase and 3-hydroxyacyl CoA dehydrogenase; minus strand). Cytogenetic location: 3q27.2.
Variant type: single nucleotide variant.
Coding change: c.931G>T on transcript NM_001966.4 (MANE Select); coding-DNA position 931, G replaced by T.
Protein change: p.Gly311Cys; replaces glycine 311 with cysteine.
Molecular consequence: missense variant.
Genome position (GRCh38, 1-based): chr3:185,193,467, C>A on the plus strand (G>T on the coding strand, the complement: EHHADH is on the minus strand). VCF-style: chr3-185193467-C-A. GRCh37 (hg19) VCF-style: chr3-184911255-C-A.
Other names: c.643G>T, p.Gly215Cys (NM_001166415.2); short protein forms G311C, G215C.
Identifiers: ClinVar variation 3087804 (VCV003087804.2), dbSNP rs146637162, ClinGen allele CA89554437.
Genomic context (GRCh38, chr3:185,193,467, plus strand): 5'-TTTTGTCCGAGTCTACAGCAATCACAGGAATCCTGGCCCTTGCAAAAGAAATGACAATGC[C>A]TCGGCCCATTGTTCCCAAGCCTGCAGATAAAAATCAAAGGAGAAAAAGAATGATTCAGTG-3'
Protein context (NP_001957.2, residues 301-321): GVVGLGTMGR[Gly311Cys]IVISFARARI